The following is an entry in ClinVar:

ClinVar aggregate classification (germline): Benign. Review status: criteria provided, multiple submitters, no conflicts (2 of 4 stars). 3 submissions from 3 submitters: Benign (3). Last evaluated 2026-02-01.

Allele frequency attached by ClinVar (database versions not stated): 1000 Genomes Project 0.00359; 1000 Genomes Project 30x 0.00359; TOPMed 0.00760; ESP Exome Variant Server 0.00877; gnomAD 0.01054.
gnomAD v4.1: 15,443 of 1,613,854 alleles (0.96%); highest among the groups gnomAD compares: Non-Finnish European, 1.2%; 79 homozygotes.

Submissions (3):

CeGaT Center for Human Genetics Tuebingen
Classification: Benign. Last evaluated: 2026-02-01. Review status: criteria provided, single submitter. Criteria: CeGaT Center For Human Genetics Tuebingen Variant Classification Criteria Version 2. Collection method: clinical testing. Allele origin: germline. Affected: yes. Observed: 11 variant alleles.
Comment: PDPN: BP4, BP7, BS1, BS2

Labcorp Genetics (formerly Invitae), Labcorp
Classification: Benign. Last evaluated: 2018-08-05. Review status: criteria provided, single submitter. Criteria: Invitae Variant Classification Sherloc (09022015). Collection method: clinical testing. Allele origin: germline.

Breakthrough Genomics
Classification: Benign. Review status: criteria provided, single submitter. Criteria: ACMG Guidelines, 2015. Collection method: not provided. Allele origin: germline. Inheritance: Unknown mechanism. Affected: yes.

NM_006474.5(PDPN):c.294C>T (p.Ser98=)

Gene: PDPN (podoplanin; plus strand). Cytogenetic location: 1p36.21.
Variant type: single nucleotide variant.
Coding change: c.294C>T on transcript NM_006474.5 (MANE Select); coding-DNA position 294, C replaced by T.
Protein change: p.Ser98=; no amino-acid change (serine 98 retained).
Molecular consequence: synonymous variant.
Genome position (GRCh38, 1-based): chr1:13,610,479, C>T. VCF-style: chr1-13610479-C-T. GRCh37 (hg19) VCF-style: chr1-13936974-C-T.
Other names: c.168C>T, p.Ser56= (NM_001006624.2, NM_001006625.2, NM_001385053.1); c.522C>T, p.Ser174= (NM_198389.2).
Identifiers: ClinVar variation 717608 (VCV000717608.33), dbSNP rs34384359, ClinGen allele CA609896.